The following is an entry in ClinVar:

NM_001164665.2(KIAA1549):c.92G>A (p.Arg31Gln)

Gene: KIAA1549 (KIAA1549; minus strand). Cytogenetic location: 7q34.
Variant type: single nucleotide variant.
Coding change: c.92G>A on transcript NM_001164665.2 (MANE Select); coding-DNA position 92, G replaced by A.
Protein change: p.Arg31Gln; replaces arginine 31 with glutamine.
Molecular consequence: missense variant.
Genome position (GRCh38, 1-based): chr7:138,981,178, C>T on the plus strand (G>A on the coding strand, the complement: KIAA1549 is on the minus strand). VCF-style: chr7-138981178-C-T. GRCh37 (hg19) VCF-style: chr7-138665924-C-T.
Other names: c.92G>A, p.Arg31Gln (NM_020910.3); c.92G>A (NM_001164665.1); short protein forms R31Q.
Identifiers: ClinVar variation 1952792 (VCV001952792.3), dbSNP rs1044503944, ClinGen allele CA369382461.

ClinVar aggregate classification (germline): Uncertain significance. Review status: criteria provided, multiple submitters, no conflicts (2 of 4 stars). 2 submissions from 2 submitters: Uncertain significance (2). Last evaluated 2025-01-23.

Conditions:
Inborn genetic diseases. Identifiers: MedGen C0950123, MeSH D030342.

gnomAD v4.1: 4 of 1,145,150 alleles (0.00035%); highest among the groups gnomAD compares: East Asian, 0.0083%; no homozygotes.

Submissions (2):

Ambry Genetics
Classification: Uncertain significance for Inborn genetic diseases. Last evaluated: 2025-01-23. Review status: criteria provided, single submitter. Criteria: Ambry Variant Classification Scheme 2023. Collection method: clinical testing. Allele origin: germline.

Labcorp Genetics (formerly Invitae), Labcorp
Classification: Uncertain significance. Last evaluated: 2022-08-22. Review status: criteria provided, single submitter. Criteria: Invitae Variant Classification Sherloc (09022015). Collection method: clinical testing. Allele origin: germline.
Comment: This sequence change replaces arginine, which is basic and polar, with glutamine, which is neutral and polar, at codon 31 of the KIAA1549 protein (p.Arg31Gln). This variant is present in population databases (no rsID available, gnomAD 0.01%). This variant has not been reported in the literature in individuals affected with KIAA1549-related conditions. Algorithms developed to predict the effect of missense changes on protein structure and function (SIFT, PolyPhen-2, Align-GVGD) all suggest that this variant is likely to be tolerated. In summary, the available evidence is currently insufficient to determine the role of this variant in disease. Therefore, it has been classified as a Variant of Uncertain Significance.